The following is an entry in ClinVar:

NM_001130987.2(DYSF):c.458C>G (p.Ala153Gly)

Gene: DYSF (dysferlin; plus strand). Cytogenetic location: 2p13.2.
Variant type: single nucleotide variant.
Coding change: c.458C>G on transcript NM_001130987.2 (MANE Select); coding-DNA position 458, C replaced by G.
Protein change: p.Ala153Gly; replaces alanine 153 with glycine.
Molecular consequence: missense variant.
Genome position (GRCh38, 1-based): chr2:71,511,919, C>G. VCF-style: chr2-71511919-C-G. GRCh37 (hg19) VCF-style: chr2-71739049-C-G.
Other names: c.458C>G, p.Ala153Gly (NM_001130455.2, NM_001130982.2, NM_001130983.2 and 3 more transcripts); c.455C>G, p.Ala152Gly (NM_001130976.2, NM_001130977.2, NM_001130978.2 and 4 more transcripts); short protein forms A153G, A152G.
Identifiers: ClinVar variation 1959946 (VCV001959946.2), dbSNP rs764206720, ClinGen allele CA347205589.
Genomic context (GRCh38, chr2:71,511,919, plus strand): 5'-TGTTCCCGCCCCCTACTCCTCTGGAGCCCTCCCCGACTCTGCCTGACCTGGATGTAGTGG[C>G]AGGTGGGTAGCCCACGTTGGCCTGGCTGGGCCCCAGCAAGAAGGCCGGCAGTGGCACTTG-3'
Protein context (NP_001124459.1, residues 143-163): SPTLPDLDVV[Ala153Gly]GGGQSRAETW

ClinVar aggregate classification (germline): Uncertain significance (1 of 4 stars; one submission).

Conditions:
Neuromuscular disease caused by qualitative or quantitative defects of dysferlin. Also called: Dysferlinopathy; Qualitative or quantitative defects of dysferlin. Identifiers: Orphanet 207073, MedGen C2931687, MONDO:0016145.

gnomAD v4.1: 1 of 1,544,924 alleles (0.000065%); highest among the groups gnomAD compares: Admixed American, 0.002%; no homozygotes.

Submission:

Labcorp Genetics (formerly Invitae), Labcorp
Classification: Uncertain significance for Neuromuscular disease caused by qualitative or quantitative defects of dysferlin. Last evaluated: 2022-05-26. Review status: criteria provided, single submitter. Criteria: Invitae Variant Classification Sherloc (09022015). Collection method: clinical testing. Allele origin: germline.
Comment: This sequence change replaces alanine, which is neutral and non-polar, with glycine, which is neutral and non-polar, at codon 152 of the DYSF protein (p.Ala152Gly). This variant is present in population databases (no rsID available, gnomAD 0.004%). This variant has not been reported in the literature in individuals affected with DYSF-related conditions. Algorithms developed to predict the effect of missense changes on protein structure and function (SIFT, PolyPhen-2, Align-GVGD) all suggest that this variant is likely to be tolerated. In summary, the available evidence is currently insufficient to determine the role of this variant in disease. Therefore, it has been classified as a Variant of Uncertain Significance.